The following is an entry in ClinVar:

ClinVar aggregate classification (germline): Benign. Review status: criteria provided, multiple submitters, no conflicts (2 of 4 stars). 3 submissions from 3 submitters: Benign (3). Last evaluated 2021-05-10.

Conditions:
Classic homocystinuria. Also called: Homocystinuria due to Cystathionine Beta-Synthase Deficiency; HOMOCYSTINURIA WITH OR WITHOUT RESPONSE TO PYRIDOXINE; Homocystinuria due to CBS deficiency; Cystathionine beta-synthase deficiency; CBS deficiency. Identifiers: Orphanet 394, MedGen C0751202, MONDO:0009352, OMIM 236200.

Allele frequency attached by ClinVar (database versions not stated): 1000 Genomes Project 0.36621; gnomAD 0.39461.

Submissions (3):

GeneDx
Classification: Benign. Last evaluated: 2021-05-10. Review status: criteria provided, single submitter. Criteria: GeneDx Variant Classification Process June 2021. Collection method: clinical testing. Allele origin: germline. Affected: yes.

Illumina Laboratory Services, Illumina
Classification: Benign for Classic homocystinuria. Last evaluated: 2018-01-12. Review status: criteria provided, single submitter. Criteria: ICSL Variant Classification Criteria 13 December 2019. Collection method: clinical testing. Allele origin: germline.
Comment: This variant was observed in the ICSL laboratory as part of a predisposition screen in an ostensibly healthy population. It had not been previously curated by ICSL or reported in the Human Gene Mutation Database (HGMD: prior to June 1st, 2018), and was therefore a candidate for classification through an automated scoring system. Utilizing variant allele frequency, disease prevalence and penetrance estimates, and inheritance mode, an automated score was calculated to assess if this variant is too frequent to cause the disease. Based on the score and internal cut-off values, a variant classified as benign is not then subjected to further curation. The score for this variant resulted in a classification of benign for this disease.

Breakthrough Genomics
Classification: Benign. Review status: criteria provided, single submitter. Criteria: ACMG Guidelines, 2015. Collection method: not provided. Allele origin: germline. Inheritance: Autosomal recessive inheritance. Affected: yes.

NM_000071.3(CBS):c.*544T>C

Gene: CBS (cystathionine beta-synthase; minus strand). Cytogenetic location: 21q22.3.
Variant type: single nucleotide variant.
Coding change: c.*544T>C on transcript NM_000071.3 (MANE Select); 544 bases downstream of the stop codon, T replaced by C.
Molecular consequence: 3 prime UTR variant.
Genome position (GRCh38, 1-based): chr21:43,053,336, A>G on the plus strand (T>C on the coding strand, the complement: CBS is on the minus strand). VCF-style: chr21-43053336-A-G. GRCh37 (hg19) VCF-style: chr21-44473446-A-G.
Other names: c.*544T>C (NM_001178008.3, NM_001320298.2, NM_001321072.1); c.*330T>C (NM_001178009.3).
Identifiers: ClinVar variation 340073 (VCV000340073.8), dbSNP rs706208, ClinGen allele CA10650547.